The following is an entry in ClinVar:

NM_021254.4(CFAP298):c.534+3A>G

Genes: CFAP298 (cilia and flagella associated protein 298; minus strand), CFAP298-TCP10L (CFAP298-TCP10L readthrough; minus strand). Cytogenetic location: 21q22.11.
Variant type: single nucleotide variant.
Coding change: c.534+3A>G on transcript NM_021254.4 (MANE Select); 3 bases into the intron after coding-DNA position 534, A replaced by G.
Molecular consequence: intron variant.
Genome position (GRCh38, 1-based): chr21:32,604,122, T>C on the plus strand (A>G on the coding strand, the complement: CFAP298 is on the minus strand). VCF-style: chr21-32604122-T-C. GRCh37 (hg19) VCF-style: chr21-33976432-T-C.
Other names: c.534+3A>G (NM_001350338.2, NM_001350336.2, NM_001350337.2 and 1 more transcripts); c.237+3A>G (NM_001350334.2).
Identifiers: ClinVar variation 1983026 (VCV001983026.3), dbSNP rs1480503799, ClinGen allele CA637653259.

ClinVar aggregate classification (germline): Uncertain significance (1 of 4 stars; one submission).

Allele frequency attached by ClinVar (database versions not stated): gnomAD exomes below 0.00001; gnomAD 0.00001.
gnomAD v4.1: 3 of 1,613,180 alleles (0.00019%); highest among the groups gnomAD compares: Non-Finnish European, 0.00025%; no homozygotes.

Submission:

Labcorp Genetics (formerly Invitae), Labcorp
Classification: Uncertain significance. Last evaluated: 2022-05-29. Review status: criteria provided, single submitter. Criteria: Invitae Variant Classification Sherloc (09022015). Collection method: clinical testing. Allele origin: germline.
Comment: Variants that disrupt the consensus splice site are a relatively common cause of aberrant splicing (PMID: 17576681, 9536098). Algorithms developed to predict the effect of sequence changes on RNA splicing suggest that this variant is not likely to affect RNA splicing. In summary, the available evidence is currently insufficient to determine the role of this variant in disease. Therefore, it has been classified as a Variant of Uncertain Significance. This variant has not been reported in the literature in individuals affected with CFAP298-related conditions. This variant is present in population databases (no rsID available, gnomAD 0.007%). This sequence change falls in intron 4 of the CFAP298 gene. It does not directly change the encoded amino acid sequence of the CFAP298 protein. It affects a nucleotide within the consensus splice site.

Literature cited by the submitters: PubMed 17576681; PubMed 9536098.